The following is an entry in ClinVar:

ClinVar aggregate classification (germline): Uncertain significance. Review status: criteria provided, multiple submitters, no conflicts (2 of 4 stars). 2 submissions from 2 submitters: Uncertain significance (2). Last evaluated 2026-04-06.

Conditions:
Intellectual disability, autosomal dominant 9 (NESCAVS). Also called: NESCAV SYNDROME; KIF1A-Related Neurodevelopmental Disorder. Identifiers: Orphanet 662367, MedGen C5393830, MONDO:0013656, OMIM 614255.
Hereditary spastic paraplegia 30. Identifiers: Orphanet 101010, MedGen C5235139, MONDO:0012476.
Neuropathy, hereditary sensory, type 2C. Also called: Hereditary sensory and autonomic neuropathy type IIC; KIF1A-Related HSAN2 (HSAN2C). Identifiers: Orphanet 970, MedGen C3280168, MONDO:0013634, OMIM 614213.
KIF1A-related disorder. Also called: KIF1A-related disorders; KIF1A-related condition.

Allele frequency attached by ClinVar (database versions not stated): gnomAD exomes 0.00001; gnomAD 0.00004; TOPMed 0.00004.
gnomAD v4.1: 13 of 1,612,382 alleles (0.00081%); highest among the groups gnomAD compares: African/African-American, 0.004%; no homozygotes.

Submissions (2):

PreventionGenetics, part of Exact Sciences
Classification: Uncertain significance for KIF1A-related condition. Last evaluated: 2026-04-06. Review status: criteria provided, single submitter. Criteria: ACMG Guidelines, 2015. Collection method: clinical testing. Allele origin: germline.
Comment: The KIF1A c.715G>A variant is predicted to result in the amino acid substitution p.Glu239Lys. This variant has been reported in the heterozygous state in two siblings with Charcot-Marie-Tooth disease type 2 and in vitro studies showed that this variant impacts the function of the protein (Morikawa et al 2022. PubMed ID: 35132656). This variant is reported in 0.011% of alleles in individuals of African descent in gnomAD. At this time, the clinical significance of this variant is uncertain due to the absence of conclusive functional and genetic evidence.

Labcorp Genetics (formerly Invitae), Labcorp
Classification: Uncertain significance for Hereditary spastic paraplegia 30; Neuropathy, hereditary sensory, type 2C; Intellectual disability, autosomal dominant 9. Last evaluated: 2025-12-28. Review status: criteria provided, single submitter. Criteria: Invitae Variant Classification Sherloc (09022015). Collection method: clinical testing. Allele origin: germline.
Comment: This sequence change replaces glutamic acid, which is acidic and polar, with lysine, which is basic and polar, at codon 239 of the KIF1A protein (p.Glu239Lys). This variant is present in population databases (no rsID available, gnomAD 0.01%). This missense change has been observed in individual(s) with clinical features of hereditary sensory and autonomic neuropathy (PMID: 35132656). ClinVar contains an entry for this variant (Variation ID: 941458). Invitae Evidence Modeling of protein sequence and biophysical properties (such as structural, functional, and spatial information, amino acid conservation, physicochemical variation, residue mobility, and thermodynamic stability) indicates that this missense variant is expected to disrupt KIF1A protein function with a positive predictive value of 95%. Experimental studies have shown that this missense change affects KIF1A function (PMID: 35132656). In summary, the available evidence is currently insufficient to determine the role of this variant in disease. Therefore, it has been classified as a Variant of Uncertain Significance.

Literature cited by the submitters: PubMed 35132656 (cited by Labcorp Genetics (formerly Invitae), Labcorp).

NM_001244008.2(KIF1A):c.715G>A (p.Glu239Lys)

Gene: KIF1A (kinesin family member 1A; minus strand). Cytogenetic location: 2q37.3.
Variant type: single nucleotide variant.
Coding change: c.715G>A on transcript NM_001244008.2 (MANE Select); coding-DNA position 715, G replaced by A.
Protein change: p.Glu239Lys; replaces glutamic acid 239 with lysine.
Molecular consequence: missense variant.
Genome position (GRCh38, 1-based): chr2:240,784,994, C>T on the plus strand (G>A on the coding strand, the complement: KIF1A is on the minus strand). VCF-style: chr2-240784994-C-T. GRCh37 (hg19) VCF-style: chr2-241724411-C-T.
Other names: c.715G>A, p.Glu239Lys (NM_001320705.2, NM_001330289.2, NM_001330290.2 and 20 more transcripts); c.715G>A (NM_001244008.1); short protein forms E239K.
Identifiers: ClinVar variation 941458 (VCV000941458.10), dbSNP rs1231775359, ClinGen allele CA351304494.